The following is an entry in ClinVar:

NM_005896.4(IDH1):c.712C>A (p.Gln238Lys)

Gene: IDH1 (isocitrate dehydrogenase (NADP(+)) 1; minus strand). Cytogenetic location: 2q34.
Variant type: single nucleotide variant.
Coding change: c.712C>A on transcript NM_005896.4 (MANE Select); coding-DNA position 712, C replaced by A.
Protein change: p.Gln238Lys; replaces glutamine 238 with lysine.
Molecular consequence: missense variant.
Genome position (GRCh38, 1-based): chr2:208,242,132, G>T on the plus strand (C>A on the coding strand, the complement: IDH1 is on the minus strand). VCF-style: chr2-208242132-G-T. GRCh37 (hg19) VCF-style: chr2-209106856-G-T.
Other names: c.712C>A, p.Gln238Lys (NM_001282386.1, NM_001282387.1); short protein forms Q238K.
Identifiers: ClinVar variation 3285244 (VCV003285244.1).

ClinVar aggregate classification (germline): Uncertain significance (1 of 4 stars; one submission).

Submission:

Ambry Genetics
Classification: Uncertain significance. Last evaluated: 2024-05-25. Review status: criteria provided, single submitter. Criteria: Ambry Variant Classification Scheme 2023. Collection method: clinical testing. Allele origin: germline.
Comment: The p.Q238K variant (also known as c.712C>A), located in coding exon 5 of the IDH1 gene, results from a C to A substitution at nucleotide position 712. The glutamine at codon 238 is replaced by lysine, an amino acid with similar properties. This amino acid position is conserved. In addition, this alteration is predicted to be tolerated by in silico analysis. Based on the available evidence, the clinical significance of this variant remains unclear.